The following is an entry in ClinVar:

NM_182961.4(SYNE1):c.9651+12G>A

Gene: SYNE1 (spectrin repeat containing nuclear envelope protein 1; minus strand). Cytogenetic location: 6q25.2.
Variant type: single nucleotide variant.
Coding change: c.9651+12G>A on transcript NM_182961.4 (MANE Select); 12 bases into the intron after coding-DNA position 9651, G replaced by A.
Molecular consequence: intron variant.
Genome position (GRCh38, 1-based): chr6:152,369,459, C>T on the plus strand (G>A on the coding strand, the complement: SYNE1 is on the minus strand). VCF-style: chr6-152369459-C-T. GRCh37 (hg19) VCF-style: chr6-152690594-C-T.
Other names: c.9672+12G>A (NM_033071.5).
Identifiers: ClinVar variation 355898 (VCV000355898.15), dbSNP rs143173603, ClinGen allele CA4057271.
Genomic context (GRCh38, chr6:152,369,459, plus strand): 5'-TGCATCTGTAAGGTCGACAGAGGACGGACAAAGACTAGGTCAGATGGGGCTACGGGGAGG[C>T]GGGCTCATCACCTGGAGCTTCTGCTGCTCCCTCCTCTTTGCTGGCAGATCATAGAGGCGA-3'

ClinVar aggregate classification (germline): Benign/Likely benign. Review status: criteria provided, multiple submitters, no conflicts (2 of 4 stars). 5 submissions from 4 submitters: Benign (2); Likely benign (3). Last evaluated 2026-01-22.

Conditions:
Autosomal recessive ataxia, Beauce type. Also called: SYNE1-Related Autosomal Recessive Cerebellar Ataxia; Spinocerebellar ataxia, autosomal recessive 8; ATAXIA, RECESSIVE, OF BEAUCE; SYNE1 Deficiency. Identifiers: Orphanet 88644, MedGen C1853116, MONDO:0012549, OMIM 610743.
Emery-Dreifuss muscular dystrophy 4, autosomal dominant (EDMD4). Also called: EMERY-DREIFUSS MUSCULAR DYSTROPHY 4 WITH VARIABLE FEATURES. Identifiers: Orphanet 261, MedGen C2751807, MONDO:0013071, OMIM 612998.

Allele frequency attached by ClinVar (database versions not stated): 1000 Genomes Project 30x 0.00109; gnomAD exomes 0.00111; 1000 Genomes Project 0.00120; ExAC 0.00125; ESP Exome Variant Server 0.00315; TOPMed 0.00334.
gnomAD v4.1: 1,340 of 1,614,086 alleles (0.083%); highest among the groups gnomAD compares: African/African-American, 1%; 6 homozygotes.

Submissions (5):

Labcorp Genetics (formerly Invitae), Labcorp
Classification: Benign for Emery-Dreifuss muscular dystrophy 4, autosomal dominant; Autosomal recessive ataxia, Beauce type. Last evaluated: 2026-01-22. Review status: criteria provided, single submitter. Criteria: Invitae Variant Classification Sherloc (09022015). Collection method: clinical testing. Allele origin: germline.

Blueprint Genetics
Classification: Likely benign. Last evaluated: 2024-04-12. Review status: criteria provided, single submitter. Criteria: ACMG Guidelines, 2015. Collection method: clinical testing. Allele origin: germline.

GeneDx
Classification: Likely benign. Last evaluated: 2018-10-09. Review status: criteria provided, single submitter. Criteria: GeneDx Variant Classification Process June 2021. Collection method: clinical testing. Allele origin: germline. Affected: yes.

Illumina Laboratory Services, Illumina
Classification: Likely benign for Autosomal recessive ataxia, Beauce type. Last evaluated: 2018-01-13. Review status: criteria provided, single submitter. Criteria: ICSL Variant Classification Criteria 13 December 2019. Collection method: clinical testing. Allele origin: germline.
Comment: This variant was observed in the ICSL laboratory as part of a predisposition screen in an ostensibly healthy population. It had not been previously curated by ICSL or reported in the Human Gene Mutation Database (HGMD: prior to June 1st, 2018), and was therefore a candidate for classification through an automated scoring system. Utilizing variant allele frequency, disease prevalence and penetrance estimates, and inheritance mode, an automated score was calculated to assess if this variant is too frequent to cause the disease. Based on the score and internal cut-off values, a variant classified as likely benign is not then subjected to further curation. The score for this variant resulted in a classification of likely benign for this disease.

Illumina Laboratory Services, Illumina
Classification: Benign for Emery-Dreifuss muscular dystrophy 4, autosomal dominant. Last evaluated: 2018-01-13. Review status: criteria provided, single submitter. Criteria: ICSL Variant Classification Criteria 13 December 2019. Collection method: clinical testing. Allele origin: germline.
Comment: This variant was observed in the ICSL laboratory as part of a predisposition screen in an ostensibly healthy population. It had not been previously curated by ICSL or reported in the Human Gene Mutation Database (HGMD: prior to June 1st, 2018), and was therefore a candidate for classification through an automated scoring system. Utilizing variant allele frequency, disease prevalence and penetrance estimates, and inheritance mode, an automated score was calculated to assess if this variant is too frequent to cause the disease. Based on the score and internal cut-off values, a variant classified as benign is not then subjected to further curation. The score for this variant resulted in a classification of benign for this disease.